The following is an entry in ClinVar:

NM_000143.4(FH):c.215C>A (p.Thr72Asn)

Gene: FH (fumarate hydratase; minus strand). Cytogenetic location: 1q43.
Variant type: single nucleotide variant.
Coding change: c.215C>A on transcript NM_000143.4 (MANE Select); coding-DNA position 215, C replaced by A.
Protein change: p.Thr72Asn; replaces threonine 72 with asparagine.
Molecular consequence: missense variant.
Genome position (GRCh38, 1-based): chr1:241,517,234, G>T on the plus strand (C>A on the coding strand, the complement: FH is on the minus strand). VCF-style: chr1-241517234-G-T. GRCh37 (hg19) VCF-style: chr1-241680534-G-T.
Other names: c.215C>A (NM_000143.3); short protein forms T72N.
Identifiers: ClinVar variation 1507118 (VCV001507118.7), dbSNP rs2147925174, ClinGen allele CA345441799.

ClinVar aggregate classification (germline): Uncertain significance. Review status: criteria provided, multiple submitters, no conflicts (2 of 4 stars). 2 submissions from 2 submitters: Uncertain significance (2). Last evaluated 2024-09-27.

Conditions:
Hereditary cancer-predisposing syndrome. Also called: Hereditary neoplastic syndrome; Neoplastic Syndromes, Hereditary; Tumor predisposition; Hereditary Cancer Syndrome. Identifiers: Orphanet 140162, MedGen C0027672, MeSH D009386, MONDO:0015356.

Submissions (2):

Ambry Genetics
Classification: Uncertain significance for Hereditary cancer-predisposing syndrome. Last evaluated: 2024-09-27. Review status: criteria provided, single submitter. Criteria: Ambry Variant Classification Scheme 2023. Collection method: clinical testing. Allele origin: germline.
Comment: The p.T72N variant (also known as c.215C>A), located in coding exon 2 of the FH gene, results from a C to A substitution at nucleotide position 215. The threonine at codon 72 is replaced by asparagine, an amino acid with similar properties. This alteration was identified in an individual with a personal and family history of uterine leiomyomas (Gunnala V et al. Int J Gynecol Pathol, 2018 May;37:256-261). This amino acid position is highly conserved in available vertebrate species. In addition, this alteration is predicted to be deleterious by in silico analysis. Based on the available evidence, the clinical significance of this variant remains unclear.

Labcorp Genetics (formerly Invitae), Labcorp
Classification: Uncertain significance. Last evaluated: 2021-10-24. Review status: criteria provided, single submitter. Criteria: Invitae Variant Classification Sherloc (09022015). Collection method: clinical testing. Allele origin: germline.
Comment: This sequence change replaces threonine, which is neutral and polar, with asparagine, which is neutral and polar, at codon 72 of the FH protein (p.Thr72Asn). This variant is not present in population databases (gnomAD no frequency). This missense change has been observed in individual(s) with clinical features of hereditary leiomyomatosis and renal cell cancer (PMID: 28700432). Advanced modeling of protein sequence and biophysical properties (such as structural, functional, and spatial information, amino acid conservation, physicochemical variation, residue mobility, and thermodynamic stability) performed at Invitae indicates that this missense variant is expected to disrupt FH protein function. In summary, the available evidence is currently insufficient to determine the role of this variant in disease. Therefore, it has been classified as a Variant of Uncertain Significance.

Literature cited by the submitters: PubMed 28700432 (cited by Ambry Genetics and Labcorp Genetics (formerly Invitae), Labcorp).